The following is an entry in ClinVar:

ClinVar aggregate classification (germline): Pathogenic. Review status: criteria provided, multiple submitters, no conflicts (2 of 4 stars). 2 submissions from 2 submitters: Pathogenic (2). Last evaluated 2024-02-13.

Conditions:
Primary ciliary dyskinesia. Also called: Ciliary dyskinesia. Identifiers: Orphanet 244, MedGen C0008780, MONDO:0016575, HP:0012265.
Primary ciliary dyskinesia 7. Also called: CILIARY DYSKINESIA, PRIMARY, 7, WITH OR WITHOUT SITUS INVERSUS. Identifiers: Orphanet 244, MedGen C2678473, MONDO:0012748, OMIM 611884.

Submissions (2):

MVZ Martinsried, Medicover Genetics
Classification: Pathogenic for Primary ciliary dyskinesia 7. Last evaluated: 2024-02-13. Review status: criteria provided, single submitter. Criteria: ACGS Guidelines, 2020. Collection method: clinical testing. Allele origin: unknown. Affected: yes.

Labcorp Genetics (formerly Invitae), Labcorp
Classification: Pathogenic for Primary ciliary dyskinesia. Last evaluated: 2024-01-16. Review status: criteria provided, single submitter. Criteria: Invitae Variant Classification Sherloc (09022015). Collection method: clinical testing. Allele origin: germline.
Comment: This sequence change creates a premature translational stop signal (p.Glu3146*) in the DNAH11 gene. It is expected to result in an absent or disrupted protein product. Loss-of-function variants in DNAH11 are known to be pathogenic (PMID: 18022865, 20513915, 22184204). This variant is not present in population databases (gnomAD no frequency). This premature translational stop signal has been observed in individual(s) with primary ciliary dyskinesia (PMID: 24450482). For these reasons, this variant has been classified as Pathogenic.

Literature cited by the submitters: PubMed 18022865 (cited by Labcorp Genetics (formerly Invitae), Labcorp); PubMed 20513915 (cited by Labcorp Genetics (formerly Invitae), Labcorp); PubMed 22184204 (cited by Labcorp Genetics (formerly Invitae), Labcorp); PubMed 24450482 (cited by Labcorp Genetics (formerly Invitae), Labcorp).

NM_001277115.2(DNAH11):c.9436G>T (p.Glu3146Ter)

Gene: DNAH11 (dynein axonemal heavy chain 11; plus strand). Cytogenetic location: 7p15.3.
Variant type: single nucleotide variant.
Coding change: c.9436G>T on transcript NM_001277115.2 (MANE Select); coding-DNA position 9436, G replaced by T.
Protein change: p.Glu3146Ter; replaces glutamic acid 3146 with a stop codon.
Molecular consequence: nonsense.
Genome position (GRCh38, 1-based): chr7:21,779,057, G>T. VCF-style: chr7-21779057-G-T. GRCh37 (hg19) VCF-style: chr7-21818675-G-T.
Other names: c.9457G>T, p.Glu3153Ter (NM_003777.3); short protein forms E3146*, E3153*.
Identifiers: ClinVar variation 2734978 (VCV002734978.4), dbSNP rs762421117, ClinGen allele CA366937765.